The following is an entry in ClinVar:

NM_000528.4(MAN2B1):c.2720del (p.Ser907fs)

Genes: MAN2B1 (mannosidase alpha class 2B member 1; minus strand), LOC130063648 (ATAC-STARR-seq lymphoblastoid active region 14063; plus strand). Cytogenetic location: 19p13.13.
Variant type: Deletion.
Coding change: c.2720del on transcript NM_000528.4 (MANE Select); coding-DNA position 2720, one base deleted (G; older notation c.2720delG).
Protein change: p.Ser907fs; shifts the reading frame from serine 907.
Molecular consequence: frameshift variant.
Genome position (GRCh38, 1-based): chr19:12,647,543, C deleted on the plus strand (G on the coding strand, the reverse complement: MAN2B1 is on the minus strand). VCF-style (leftmost placement, unchanged base first): chr19-12647542-GC-G. GRCh37 (hg19) VCF-style: chr19-12758356-GC-G.
Other names: c.2717del, p.Ser906fs (NM_001173498.2); c.2723del, p.Ser908fs (NM_001440570.1); short protein forms S906fs, S907fs, S908fs.
Identifiers: ClinVar variation 5012880 (VCV005012880.1).
Genomic context (GRCh38, chr19:12,647,542, plus strand): 5'-GGAATCCTCTCCTACGGCAAACTGGTGCTCCAAGCGCAGCAGCACCATTTCGGGGCCCCA[GC>G]TGGCCAGCGTGAGCAGGTGCACCGAGGGCGGCAGGTCCCTGCGCAGCCCTGAGAACTGCG-3'

ClinVar aggregate classification (germline): Pathogenic (1 of 4 stars; one submission).

Conditions:
Deficiency of alpha-mannosidase (MANSA). Also called: LYSOSOMAL ALPHA-D-MANNOSIDASE DEFICIENCY; Alpha-Mannosidosis; Mannosidosis, alpha-, types I and II. Identifiers: Orphanet 61, MedGen C0024748, MONDO:0009561, OMIM 248500.

Submission:

Myriad Genetics, Inc.
Classification: Pathogenic for Deficiency of alpha-mannosidase. Last evaluated: 2024-03-30. Review status: criteria provided, single submitter. Criteria: Myriad Autosomal Dominant, Autosomal Recessive and X-Linked Classification Criteria (2023). Collection method: clinical testing. Allele origin: unknown.
Comment: NM_000528.3(MAN2B1):c.2720delG(S907Tfs*17) is expected to be pathogenic in the context of alpha-mannosidosis. This variant is predicted to lead to an abnormal or absent protein product due to the creation of a premature termination codon in MAN2B1, a gene where loss-of-function variants are known to be pathogenic. Please note: this variant was assessed in the context of healthy population screening.